The following is an entry in ClinVar:

ClinVar aggregate classification (germline): Likely pathogenic (1 of 4 stars; one submission).

Conditions:
Primary hyperoxaluria, type II (HP2). Also called: OXALOSIS II; Primary hyperoxaluria type 2; D-GLYCERATE DEHYDROGENASE DEFICIENCY; GLYCERIC ACIDURIA; GLYOXYLATE REDUCTASE/HYDROXYPYRUVATE REDUCTASE DEFICIENCY. Identifiers: Orphanet 416, Orphanet 93599, MedGen C0268165, MONDO:0009824, OMIM 260000. Disease mechanism: loss of function.

Allele frequency attached by ClinVar (database versions not stated): gnomAD exomes below 0.00001; ExAC 0.00001.

Submission:

Clinical Biochemistry Laboratory, Health Services Laboratory
Classification: Likely pathogenic for Primary hyperoxaluria, type II. Last evaluated: 2023-10-27. Review status: criteria provided, single submitter. Criteria: ACMG Guidelines, 2015. Collection method: curation. Allele origin: germline.
Comment: ACMG:PVS1 PM2PM4

NM_012203.2(GRHPR):c.348del (p.Ser117fs)

Gene: GRHPR (glyoxylate and hydroxypyruvate reductase; plus strand). Cytogenetic location: 9p13.2.
Variant type: Deletion.
Coding change: c.348del on transcript NM_012203.2 (MANE Select); coding-DNA position 348, one base deleted (C; older notation c.348delC).
Protein change: p.Ser117fs; shifts the reading frame from serine 117.
Molecular consequence: frameshift variant.
Genome position (GRCh38, 1-based): chr9:37,426,598, C deleted. VCF-style (leftmost placement, unchanged base first): chr9-37426597-TC-T. GRCh37 (hg19) VCF-style: chr9-37426594-TC-T.
Other names: short protein forms S117fs.
Identifiers: ClinVar variation 2664417 (VCV002664417.1), dbSNP rs755926095, ClinGen allele CA5059010.